The following is an entry in ClinVar:

ClinVar aggregate classification (germline): Likely benign. Review status: criteria provided, multiple submitters, no conflicts (2 of 4 stars). 3 submissions from 3 submitters: Likely benign (2). 1 of the submissions does not count toward it. Last evaluated 2025-08-20.

Conditions:
FAM20C-related disorder. Also called: FAM20C-related condition.

Allele frequency attached by ClinVar (database versions not stated): gnomAD exomes 0.00001 and 0.00002; gnomAD 0.00005 and 0.00006; TOPMed 0.00009.

Submissions (3):

Labcorp Genetics (formerly Invitae), Labcorp
Classification: Likely benign. Last evaluated: 2025-08-20. Review status: criteria provided, single submitter. Criteria: Invitae Variant Classification Sherloc (09022015). Collection method: clinical testing. Allele origin: germline.

Genetic Services Laboratory, University of Chicago
Classification: Likely benign. Last evaluated: 2017-08-08. Review status: criteria provided, single submitter. Criteria: ACMG Guidelines, 2015. Collection method: clinical testing. Allele origin: germline. Affected: no.

PreventionGenetics, part of Exact Sciences
Classification: Likely benign for FAM20C-related condition. Last evaluated: 2019-02-22. Review status: no assertion criteria provided. Collection method: clinical testing. Allele origin: germline. Not counted in ClinVar's aggregate classification.
Comment: This variant is classified as likely benign based on ACMG/AMP sequence variant interpretation guidelines (Richards et al. 2015 PMID: 25741868, with internal and published modifications).

NM_020223.4(FAM20C):c.480C>T (p.Leu160=)

Gene: FAM20C (FAM20C golgi associated secretory pathway kinase; plus strand). Cytogenetic location: 7p22.3.
Variant type: single nucleotide variant.
Coding change: c.480C>T on transcript NM_020223.4 (MANE Select); coding-DNA position 480, C replaced by T.
Protein change: p.Leu160=; no amino-acid change (leucine 160 retained).
Molecular consequence: synonymous variant.
Genome position (GRCh38, 1-based): chr7:193,679, C>T. VCF-style: chr7-193679-C-T. GRCh37 (hg19) VCF-style: chr7-193679-C-T.
Identifiers: ClinVar variation 736842 (VCV000736842.14), dbSNP rs962245579, ClinGen allele CA152256881.